The following is an entry in ClinVar:

NM_004900.5(APOBEC3B):c.631C>T (p.Arg211Trp)

Gene: APOBEC3B (apolipoprotein B mRNA editing enzyme catalytic subunit 3B; plus strand). Cytogenetic location: 22q13.1.
Variant type: single nucleotide variant.
Coding change: c.631C>T on transcript NM_004900.5 (MANE Select); coding-DNA position 631, C replaced by T.
Protein change: p.Arg211Trp; replaces arginine 211 with tryptophan.
Molecular consequence: missense variant.
Genome position (GRCh38, 1-based): chr22:38,989,518, C>T. VCF-style: chr22-38989518-C-T. GRCh37 (hg19) VCF-style: chr22-39385523-C-T.
Other names: c.631C>T, p.Arg211Trp (NM_001270411.2); short protein forms R211W.
Identifiers: ClinVar variation 1048995 (VCV001048995.1), dbSNP rs200770515, ClinGen allele CA10237487.

ClinVar aggregate classification (germline): Likely benign (0 of 4 stars; one submission).

Allele frequency attached by ClinVar (database versions not stated): ExAC 0.00024; ESP Exome Variant Server 0.00031; gnomAD exomes 0.00031 and 0.00039; TOPMed 0.00031; gnomAD 0.00034 and 0.00036; 1000 Genomes Project 30x 0.00078; 1000 Genomes Project 0.00100.

Submission:

Department of Pathology and Laboratory Medicine, Sinai Health System
Classification: Likely benign. Review status: no assertion criteria provided. Collection method: clinical testing. Allele origin: unknown. Affected: yes. Study: The Canadian Open Genetics Repository (COGR).
Comment: The APOBEC3B p.Arg211Trp variant was not identified in the literature nor was it identified in ClinVar or LOVD 3.0. The variant was identified in dbSNP (ID: rs200770515) and in COSMIC database (FATHMM prediction of neutral; score=0.01). The variant was identified in control databases in 87 of 275244 chromosomes (8 homozygous) at a frequency of 0.000316 (Genome Aggregation Database Feb 27, 2017). The variant was observed in the following populations: Latino in 29 of 32938 chromosomes (freq: 0.00088), European (non-Finnish) in 53 of 128060 chromosomes (freq: 0.000414), South Asian in 3 of 29926 chromosomes (freq: 0.0001) and African in 2 of 24720 chromosomes (freq: 0.000081); it was not observed in the Ashkenazi Jewish, East Asian, European (Finnish) or Other populations. The variant occurs outside of the splicing consensus sequence and 3 of 4 in silico or computational prediction software programs (MaxEntScan, NNSPLICE, GeneSplicer) do not predict a difference in splicing. The p.Arg211 residue is not conserved in mammals or distantly related organisms and computational analyses (PolyPhen-2, SIFT, AlignGVGD, BLOSUM, MutationTaster) provide inconsistent predictions regarding the impact to the protein; this information is not very predictive of pathogenicity. In summary, based on the above information the clinical significance of this variant cannot be determined with certainty at this time, although we would lean towards a more benign role for this variant. This variant is classified as likely benign.